The following is an entry in ClinVar:

ClinVar aggregate classification (germline): Uncertain significance (1 of 4 stars; one submission).

Conditions:
Charcot-Marie-Tooth disease axonal type 2O. Also called: CHARCOT-MARIE-TOOTH NEUROPATHY, AXONAL, TYPE 2O; CHARCOT-MARIE-TOOTH DISEASE, AXONAL, AUTOSOMAL DOMINANT, TYPE 2O; Charcot-Marie-Tooth Neuropathy Type 2O; Charcot-Marie-Tooth disease, axonal, type 20. Identifiers: Orphanet 284232, MedGen C3280220, MONDO:0013644, OMIM 614228.

Allele frequency attached by ClinVar (database versions not stated): TOPMed below 0.00001; gnomAD 0.00001.
gnomAD v4.1: 1 of 1,613,792 alleles (0.000062%); highest among the groups gnomAD compares: Non-Finnish European, 0.000085%; no homozygotes.

Submission:

Labcorp Genetics (formerly Invitae), Labcorp
Classification: Uncertain significance for Charcot-Marie-Tooth disease axonal type 2O. Last evaluated: 2024-10-15. Review status: criteria provided, single submitter. Criteria: Invitae Variant Classification Sherloc (09022015). Collection method: clinical testing. Allele origin: germline.
Comment: This sequence change replaces cysteine, which is neutral and slightly polar, with phenylalanine, which is neutral and non-polar, at codon 4510 of the DYNC1H1 protein (p.Cys4510Phe). This variant is not present in population databases (gnomAD no frequency). This missense change has been observed in individual(s) with clinical features of Charcot-Marie-Tooth disease (PMID: 32376792). ClinVar contains an entry for this variant (Variation ID: 1382223). Invitae Evidence Modeling of protein sequence and biophysical properties (such as structural, functional, and spatial information, amino acid conservation, physicochemical variation, residue mobility, and thermodynamic stability) indicates that this missense variant is not expected to disrupt DYNC1H1 protein function with a negative predictive value of 95%. In summary, the available evidence is currently insufficient to determine the role of this variant in disease. Therefore, it has been classified as a Variant of Uncertain Significance.

Literature cited by the submitters: PubMed 32376792.

NM_001376.5(DYNC1H1):c.13529G>T (p.Cys4510Phe)

Gene: DYNC1H1 (dynein cytoplasmic 1 heavy chain 1; plus strand). Cytogenetic location: 14q32.31.
Variant type: single nucleotide variant.
Coding change: c.13529G>T on transcript NM_001376.5 (MANE Select); coding-DNA position 13529, G replaced by T.
Protein change: p.Cys4510Phe; replaces cysteine 4510 with phenylalanine.
Molecular consequence: missense variant.
Genome position (GRCh38, 1-based): chr14:102,049,727, G>T. VCF-style: chr14-102049727-G-T. GRCh37 (hg19) VCF-style: chr14-102516064-G-T.
Other names: short protein forms C4510F.
Identifiers: ClinVar variation 1382223 (VCV001382223.8), dbSNP rs888890361, ClinGen allele CA391049991.